The following is an entry in ClinVar:

ClinVar aggregate classification (germline): Likely pathogenic (1 of 4 stars; one submission).

Conditions:
Walker-Warburg congenital muscular dystrophy. Also called: Muscular dystrophy-dystroglycanopathy, type A; Walker-Warburg syndrome. Identifiers: Orphanet 899, MedGen C0265221, MONDO:0000171.

Submission:

Labcorp Genetics (formerly Invitae), Labcorp
Classification: Likely pathogenic for Walker-Warburg congenital muscular dystrophy. Last evaluated: 2024-10-22. Review status: criteria provided, single submitter. Criteria: Invitae Variant Classification Sherloc (09022015). Collection method: clinical testing. Allele origin: germline.
Comment: This sequence change replaces valine, which is neutral and non-polar, with leucine, which is neutral and non-polar, at codon 405 of the FKRP protein (p.Val405Leu). This variant is not present in population databases (gnomAD no frequency). This missense change has been observed in individuals with congenital muscular dystrophy or muscular dystrophy-dystroglycanopathy (limb-girdle) (PMID: 14652796, 33146414). Invitae Evidence Modeling of protein sequence and biophysical properties (such as structural, functional, and spatial information, amino acid conservation, physicochemical variation, residue mobility, and thermodynamic stability) indicates that this missense variant is expected to disrupt FKRP protein function with a positive predictive value of 95%. Experimental studies have shown that this missense change affects FKRP function (PMID: 17554798, 31268217). In summary, the currently available evidence indicates that the variant is pathogenic, but additional data are needed to prove that conclusively. Therefore, this variant has been classified as Likely Pathogenic.

Literature cited by the submitters: PubMed 14652796; PubMed 33146414; PubMed 17554798; PubMed 31268217.

NM_024301.5(FKRP):c.1213G>C (p.Val405Leu)

Gene: FKRP (fukutin related protein; plus strand). Cytogenetic location: 19q13.32.
Variant type: single nucleotide variant.
Coding change: c.1213G>C on transcript NM_024301.5 (MANE Select); coding-DNA position 1213, G replaced by C.
Protein change: p.Val405Leu; replaces valine 405 with leucine.
Molecular consequence: missense variant.
Genome position (GRCh38, 1-based): chr19:46,756,663, G>C. VCF-style: chr19-46756663-G-C. GRCh37 (hg19) VCF-style: chr19-47259920-G-C.
Other names: c.1213G>C, p.Val405Leu (NM_001039885.3); short protein forms V405L.
Identifiers: ClinVar variation 3630568 (VCV003630568.2).